The following is an entry in ClinVar:

ClinVar aggregate classification (germline): Likely benign. Review status: criteria provided, multiple submitters, no conflicts (2 of 4 stars). 2 submissions from 2 submitters: Likely benign (2). Last evaluated 2025-05-08.

Conditions:
Cohen syndrome (COH1). Also called: Cutis verticis gyrata, retinitis pigmentosa, and sensorineural deafness; PEPPER SYNDROME. Identifiers: Orphanet 193, MedGen C0265223, MONDO:0008999, OMIM 216550.
VPS13B-related disorder. Also called: VPS13B-related condition.

Allele frequency attached by ClinVar (database versions not stated): gnomAD exomes below 0.00001; TOPMed below 0.00001.
gnomAD v4.1: 1 of 1,609,084 alleles (0.000062%); highest among the groups gnomAD compares: Non-Finnish European, 0.000085%; no homozygotes.

Submissions (2):

PreventionGenetics, part of Exact Sciences
Classification: Likely benign for VPS13B-related condition. Last evaluated: 2025-05-08. Review status: criteria provided, single submitter. Criteria: ACMG Guidelines, 2015. Collection method: clinical testing. Allele origin: germline.
Comment: This variant is classified as likely benign based on ACMG/AMP sequence variant interpretation guidelines (Richards et al. 2015 PMID: 25741868, with internal and published modifications).

Labcorp Genetics (formerly Invitae), Labcorp
Classification: Likely benign for Cohen syndrome. Last evaluated: 2025-03-17. Review status: criteria provided, single submitter. Criteria: Invitae Variant Classification Sherloc (09022015). Collection method: clinical testing. Allele origin: germline.

NM_152564.5(VPS13B):c.4047T>G (p.Val1349=)

Gene: VPS13B (vacuolar protein sorting 13 homolog B; plus strand). Cytogenetic location: 8q22.2.
Variant type: single nucleotide variant.
Coding change: c.4047T>G on transcript NM_152564.5 (MANE Select); coding-DNA position 4047, T replaced by G.
Protein change: p.Val1349=; no amino-acid change (valine 1349 retained).
Molecular consequence: synonymous variant.
Genome position (GRCh38, 1-based): chr8:99,502,840, T>G. VCF-style: chr8-99502840-T-G. GRCh37 (hg19) VCF-style: chr8-100515068-T-G.
Other names: c.4047T>G, p.Val1349= (NM_017890.5); c.4047T>G (NM_152564.4).
Identifiers: ClinVar variation 1092421 (VCV001092421.10), dbSNP rs1004879836, ClinGen allele CA182981458.